The following is an entry in ClinVar:

ClinVar aggregate classification (germline): Uncertain significance (1 of 4 stars; one submission).

Conditions:
Hereditary nonpolyposis colorectal neoplasms. Identifiers: MedGen C0009405, MeSH D003123.

Submission:

Labcorp Genetics (formerly Invitae), Labcorp
Classification: Uncertain significance for Hereditary nonpolyposis colorectal neoplasms. Last evaluated: 2021-11-17. Review status: criteria provided, single submitter. Criteria: Invitae Variant Classification Sherloc (09022015). Collection method: clinical testing. Allele origin: germline.
Comment: This sequence change replaces alanine, which is neutral and non-polar, with serine, which is neutral and polar, at codon 4 of the PMS2 protein (p.Ala4Ser). This variant is not present in population databases (gnomAD no frequency). This variant has not been reported in the literature in individuals affected with PMS2-related conditions. Advanced modeling of protein sequence and biophysical properties (such as structural, functional, and spatial information, amino acid conservation, physicochemical variation, residue mobility, and thermodynamic stability) performed at Invitae indicates that this missense variant is not expected to disrupt PMS2 protein function. In summary, the available evidence is currently insufficient to determine the role of this variant in disease. Therefore, it has been classified as a Variant of Uncertain Significance.

NM_000535.7(PMS2):c.10G>T (p.Ala4Ser)

Gene: PMS2 (PMS1 homolog 2, mismatch repair system component; minus strand). Cytogenetic location: 7p22.1.
Variant type: single nucleotide variant.
Coding change: c.10G>T on transcript NM_000535.7 (MANE Select); coding-DNA position 10, G replaced by T.
Protein change: p.Ala4Ser; replaces alanine 4 with serine.
Molecular consequence: missense variant. On other transcripts: 5 prime UTR variant (11), non-coding transcript variant (1).
Genome position (GRCh38, 1-based): chr7:6,009,010, C>A on the plus strand (G>T on the coding strand, the complement: PMS2 is on the minus strand). VCF-style: chr7-6009010-C-A. GRCh37 (hg19) VCF-style: chr7-6048641-C-A.
Other names: c.-391G>T (NM_001018040.1, NM_001322003.2, NM_001322013.2 and 5 more transcripts); c.-256G>T (NM_001322004.2, NM_001322010.2, NM_001406911.1); c.-586G>T (NM_001322005.2); c.10G>T, p.Ala4Ser (NM_001322006.2, NM_001322014.2, NM_001406866.1 and 11 more transcripts); c.-206G>T (NM_001322007.2, NM_001406876.1, NM_001406896.1 and 2 more transcripts); c.-66G>T (NM_001322008.2); c.-581G>T (NM_001322009.2, NM_001406897.1); c.-875G>T (NM_001322011.2); and 19 more; short protein forms A4S.
Identifiers: ClinVar variation 2106389 (VCV002106389.4), dbSNP rs1786257764, ClinGen allele CA366745240.